The following is an entry in ClinVar:

NM_017852.5(NLRP2):c.627G>C (p.Val209=)

Gene: NLRP2 (NLR family pyrin domain containing 2; plus strand). Cytogenetic location: 19q13.42.
Variant type: single nucleotide variant.
Coding change: c.627G>C on transcript NM_017852.5 (MANE Select); coding-DNA position 627, G replaced by C.
Protein change: p.Val209=; no amino-acid change (valine 209 retained).
Molecular consequence: synonymous variant. On other transcripts: non-coding transcript variant (1).
Genome position (GRCh38, 1-based): chr19:54,982,325, G>C. VCF-style: chr19-54982325-G-C. GRCh37 (hg19) VCF-style: chr19-55493693-G-C.
Other names: c.627G>C, p.Val209= (NM_001174081.3); c.561G>C, p.Val187= (NM_001174082.3); c.558G>C, p.Val186= (NM_001174083.2); c.618G>C, p.Val206= (NM_001348003.2).
Identifiers: ClinVar variation 3032325 (VCV003032325.2), dbSNP rs371774202, ClinGen allele CA310102795.

ClinVar aggregate classification (germline): Likely benign (0 of 4 stars; one submission).

Conditions:
NLRP2-related disorder. Also called: NLRP2-related condition.

Allele frequency attached by ClinVar (database versions not stated): ExAC 0.00007; gnomAD 0.00007; ESP Exome Variant Server 0.00008; TOPMed 0.00014.
gnomAD v4.1: 124 of 1,613,952 alleles (0.0077%); highest among the groups gnomAD compares: Middle Eastern, 0.033%; no homozygotes.

Submission:

PreventionGenetics, part of Exact Sciences
Classification: Likely benign for NLRP2-related condition. Last evaluated: 2021-06-08. Review status: no assertion criteria provided. Collection method: clinical testing. Allele origin: germline.
Comment: This variant is classified as likely benign based on ACMG/AMP sequence variant interpretation guidelines (Richards et al. 2015 PMID: 25741868, with internal and published modifications).